The following is an entry in ClinVar:

ClinVar aggregate classification (germline): Uncertain significance. Review status: criteria provided, multiple submitters, no conflicts (2 of 4 stars). 2 submissions from 2 submitters: Uncertain significance (2). Last evaluated 2026-03-27.

Conditions:
Multiple endocrine neoplasia type 2B. Also called: Multiple endocrine neoplasia, type 3; MULTIPLE ENDOCRINE NEOPLASIA, TYPE IIB; MEN IIB; NEUROMATA, MUCOSAL, WITH ENDOCRINE TUMORS; WAGENMANN-FROBOESE SYNDROME; MULTIPLE ENDOCRINE NEOPLASIA, TYPE III. Identifiers: Orphanet 247709, Orphanet 653, MedGen C0025269, MeSH D018814, MONDO:0008082, OMIM 162300.
Pheochromocytoma. Also called: MAX-Related Hereditary Paraganglioma-Pheochromocytoma Syndrome. Identifiers: Orphanet 29072, MedGen C0031511, MONDO:0008233, OMIM 171300, HP:0002666.
Familial medullary thyroid carcinoma (MTC). Also called: Thyroid cancer, familial medullary; MTC, familial; Familial Medullary Thyroid Carcinoma (FMTC). Identifiers: Orphanet 653, Orphanet 99361, MedGen C1833921, MONDO:0007958, OMIM 155240.
Hirschsprung disease, susceptibility to, 1 (HSCR1). Also called: RET-Related Hirschsprung Disease. Identifiers: Orphanet 388, MedGen C3888239, MONDO:0007723, OMIM 142623.
Multiple endocrine neoplasia type 2A. Also called: MULTIPLE ENDOCRINE NEOPLASIA, TYPE IIA; PTC SYNDROME; SIPPLE SYNDROME; MEN 2A; MEN-2A syndrome; Pheochromocytoma and amyloid producing medullary thyroid carcinoma. Identifiers: Orphanet 247698, Orphanet 653, MedGen C0025268, MeSH D018813, MONDO:0008234, OMIM 171400.

Submissions (2):

GeneDx
Classification: Uncertain significance. Last evaluated: 2026-03-27. Review status: criteria provided, single submitter. Criteria: GeneDx Variant Classification Process June 2021. Collection method: clinical testing. Allele origin: germline.
Comment: Not observed at significant frequency in large population cohorts (gnomAD); In silico analysis supports that this missense variant has a deleterious effect on protein structure/function; Has not been previously published as pathogenic or benign to our knowledge; This variant is associated with the following publications: (PMID: 14633923)

Fulgent Genetics
Classification: Uncertain significance for Hirschsprung disease, susceptibility to, 1; Familial medullary thyroid carcinoma; Multiple endocrine neoplasia type 2B; Pheochromocytoma; Multiple endocrine neoplasia type 2A. Last evaluated: 2024-04-07. Review status: criteria provided, single submitter. Criteria: ACMG Guidelines, 2015. Collection method: clinical testing. Allele origin: germline.

NM_020975.6(RET):c.2819T>C (p.Leu940Pro)

Gene: RET (ret proto-oncogene; plus strand). Cytogenetic location: 10q11.21.
Variant type: single nucleotide variant.
Coding change: c.2819T>C on transcript NM_020975.6 (MANE Select); coding-DNA position 2819, T replaced by C.
Protein change: p.Leu940Pro; replaces leucine 940 with proline.
Molecular consequence: missense variant.
Genome position (GRCh38, 1-based): chr10:43,123,688, T>C. VCF-style: chr10-43123688-T-C. GRCh37 (hg19) VCF-style: chr10-43619136-T-C.
Other names: c.2057T>C, p.Leu686Pro (NM_001355216.2); c.2819T>C, p.Leu940Pro (NM_001406743.1, NM_001406744.1, NM_001406759.1 and 2 more transcripts); c.2690T>C, p.Leu897Pro (NM_001406761.1, NM_001406762.1, NM_001406764.1); c.2684T>C, p.Leu895Pro (NM_001406763.1, NM_001406765.1); c.2531T>C, p.Leu844Pro (NM_001406766.1, NM_001406767.1, NM_001406770.1); c.2555T>C, p.Leu852Pro (NM_001406768.1); c.2423T>C, p.Leu808Pro (NM_001406769.1, NM_001406772.1); c.2381T>C, p.Leu794Pro (NM_001406771.1, NM_001406773.1); and 10 more; short protein forms L641P, L686P, L808P, L852P, L895P, L940P, L596P, L610P.
Identifiers: ClinVar variation 3595029 (VCV003595029.2).